The following is an entry in ClinVar:

NM_003072.5(SMARCA4):c.4776C>T (p.Ser1592=)

Gene: SMARCA4 (SWI/SNF related BAF chromatin remodeling complex subunit ATPase 4; plus strand). Cytogenetic location: 19p13.2.
Variant type: single nucleotide variant.
Coding change: c.4776C>T on transcript NM_003072.5 (MANE Select); coding-DNA position 4776, C replaced by T.
Protein change: p.Ser1592=; no amino-acid change (serine 1592 retained).
Molecular consequence: synonymous variant. On other transcripts: non-coding transcript variant (1).
Genome position (GRCh38, 1-based): chr19:11,060,052, C>T. VCF-style: chr19-11060052-C-T. GRCh37 (hg19) VCF-style: chr19-11170728-C-T.
Other names: c.4776C>T, p.Ser1592= (NM_001128844.3); c.4686C>T, p.Ser1562= (NM_001128845.2); c.4683C>T, p.Ser1561= (NM_001128846.2); c.4677C>T, p.Ser1559= (NM_001128847.4, NM_001374457.1); c.4674C>T, p.Ser1558= (NM_001128848.2); c.4872C>T, p.Ser1624= (NM_001128849.3, NM_001387283.1).
Identifiers: ClinVar variation 537846 (VCV000537846.18), dbSNP rs1292187087, ClinGen allele CA505495359.

ClinVar aggregate classification (germline): Benign/Likely benign. Review status: criteria provided, multiple submitters, no conflicts (2 of 4 stars). 4 submissions from 4 submitters: Benign (1); Likely benign (3). Last evaluated 2026-07-23.

Conditions:
Rhabdoid tumor predisposition syndrome 2 (RTPS2). Identifiers: Orphanet 231108, Orphanet 69077, MedGen C2750074, MONDO:0013224, OMIM 613325.
Hereditary cancer-predisposing syndrome. Also called: Tumor predisposition; Neoplastic Syndromes, Hereditary; Hereditary Cancer Syndrome; Hereditary neoplastic syndrome. Identifiers: Orphanet 140162, MedGen C0027672, MeSH D009386, MONDO:0015356.

Allele frequency attached by ClinVar (database versions not stated): TOPMed below 0.00001; gnomAD exomes 0.00001.
gnomAD v4.1: 13 of 1,562,390 alleles (0.00083%); highest among the groups gnomAD compares: South Asian, 0.0059%; 1 homozygote.

Submissions (4):

Myriad Genetics, Inc.
Classification: Benign for Rhabdoid tumor predisposition syndrome 2. Last evaluated: 2026-07-23. Review status: criteria provided, single submitter. Criteria: Myriad Autosomal Dominant, Autosomal Recessive and X-Linked Classification Criteria (2023). Collection method: clinical testing. Allele origin: unknown.
Comment: This variant is considered benign. This variant is a silent/synonymous amino acid change and it is not expected to impact splicing.

Labcorp Genetics (formerly Invitae), Labcorp
Classification: Likely benign for Rhabdoid tumor predisposition syndrome 2. Last evaluated: 2026-01-27. Review status: criteria provided, single submitter. Criteria: Invitae Variant Classification Sherloc (09022015). Collection method: clinical testing. Allele origin: germline.

Sema4
Classification: Likely benign for Hereditary cancer-predisposing syndrome. Last evaluated: 2021-05-10. Review status: criteria provided, single submitter. Criteria: Sema4 Curation Guidelines. Collection method: curation. Allele origin: germline.

Ambry Genetics
Classification: Likely benign for Hereditary cancer-predisposing syndrome. Last evaluated: 2019-01-30. Review status: criteria provided, single submitter. Criteria: Ambry Variant Classification Scheme 2023. Collection method: clinical testing. Allele origin: germline.